The following is an entry in ClinVar:

ClinVar aggregate classification (germline): Uncertain significance (1 of 4 stars; one submission).

gnomAD v4.1: 1 of 1,613,292 alleles (0.000062%); highest among the groups gnomAD compares: Admixed American, 0.0017%; no homozygotes.

Submission:

Labcorp Genetics (formerly Invitae), Labcorp
Classification: Uncertain significance. Last evaluated: 2022-08-06. Review status: criteria provided, single submitter. Criteria: Invitae Variant Classification Sherloc (09022015). Collection method: clinical testing. Allele origin: germline.
Comment: This sequence change replaces lysine, which is basic and polar, with threonine, which is neutral and polar, at codon 518 of the TRPM1 protein (p.Lys518Thr). This variant is present in population databases (rs767095977, gnomAD 0.003%). This variant has not been reported in the literature in individuals affected with TRPM1-related conditions. Algorithms developed to predict the effect of missense changes on protein structure and function are either unavailable or do not agree on the potential impact of this missense change (SIFT: "Tolerated"; PolyPhen-2: "Possibly Damaging"; Align-GVGD: "Class C0"). In summary, the available evidence is currently insufficient to determine the role of this variant in disease. Therefore, it has been classified as a Variant of Uncertain Significance.

NM_001252024.2(TRPM1):c.1619A>C (p.Lys540Thr)

Gene: TRPM1 (transient receptor potential cation channel subfamily M member 1; minus strand). Cytogenetic location: 15q13.3.
Variant type: single nucleotide variant.
Coding change: c.1619A>C on transcript NM_001252024.2 (MANE Select); coding-DNA position 1619, A replaced by C.
Protein change: p.Lys540Thr; replaces lysine 540 with threonine.
Molecular consequence: missense variant.
Genome position (GRCh38, 1-based): chr15:31,047,893, T>G on the plus strand (A>C on the coding strand, the complement: TRPM1 is on the minus strand). VCF-style: chr15-31047893-T-G. GRCh37 (hg19) VCF-style: chr15-31340096-T-G.
Other names: c.1670A>C, p.Lys557Thr (NM_001252020.2); c.1553A>C, p.Lys518Thr (NM_002420.6); short protein forms K557T, K540T, K518T.
Identifiers: ClinVar variation 1899203 (VCV001899203.2), dbSNP rs767095977, ClinGen allele CA7452511.